The following is an entry in ClinVar:

NM_032620.4(GTPBP3):c.169G>C (p.Ala57Pro)

Gene: GTPBP3 (GTP binding protein 3, mitochondrial; plus strand). Cytogenetic location: 19p13.11.
Variant type: single nucleotide variant.
Coding change: c.169G>C on transcript NM_032620.4 (MANE Select); coding-DNA position 169, G replaced by C.
Protein change: p.Ala57Pro; replaces alanine 57 with proline.
Molecular consequence: missense variant.
Genome position (GRCh38, 1-based): chr19:17,338,123, G>C. VCF-style: chr19-17338123-G-C. GRCh37 (hg19) VCF-style: chr19-17448932-G-C.
Other names: c.169G>C, p.Ala57Pro (NM_001128855.3, NM_133644.4); c.235G>C, p.Ala79Pro (NM_001195422.1); short protein forms A57P, A79P.
Identifiers: ClinVar variation 1467442 (VCV001467442.6), dbSNP rs762821280, ClinGen allele CA9293249.

ClinVar aggregate classification (germline): Uncertain significance. Review status: criteria provided, multiple submitters, no conflicts (2 of 4 stars). 2 submissions from 2 submitters: Uncertain significance (2). Last evaluated 2022-07-30.

Conditions:
Combined oxidative phosphorylation defect type 23. Also called: Combined oxidative phosphorylation deficiency 23. Identifiers: Orphanet 444013, MedGen C5567743, MONDO:0014525, OMIM 616198.

Allele frequency attached by ClinVar (database versions not stated): ExAC 0.00003; gnomAD exomes 0.00004 and 0.00012; TOPMed 0.00006; gnomAD 0.00008 and 0.00009.
gnomAD v4.1: 175 of 1,596,284 alleles (0.011%); highest among the groups gnomAD compares: Non-Finnish European, 0.015%; no homozygotes.

Submissions (2):

Labcorp Genetics (formerly Invitae), Labcorp
Classification: Uncertain significance. Last evaluated: 2022-07-30. Review status: criteria provided, single submitter. Criteria: Invitae Variant Classification Sherloc (09022015). Collection method: clinical testing. Allele origin: germline.
Comment: This sequence change replaces alanine, which is neutral and non-polar, with proline, which is neutral and non-polar, at codon 57 of the GTPBP3 protein (p.Ala57Pro). This variant is present in population databases (rs762821280, gnomAD 0.009%). This variant has not been reported in the literature in individuals affected with GTPBP3-related conditions. ClinVar contains an entry for this variant (Variation ID: 1467442). Algorithms developed to predict the effect of missense changes on protein structure and function are either unavailable or do not agree on the potential impact of this missense change (SIFT: "Tolerated"; PolyPhen-2: "Possibly Damaging"; Align-GVGD: "Class C0"). In summary, the available evidence is currently insufficient to determine the role of this variant in disease. Therefore, it has been classified as a Variant of Uncertain Significance.

Victorian Clinical Genetics Services, Murdoch Childrens Research Institute
Classification: Uncertain significance for Combined oxidative phosphorylation defect type 23. Last evaluated: 2022-06-24. Review status: criteria provided, single submitter. Criteria: ACMG Guidelines, 2015. Collection method: clinical testing. Allele origin: germline. Inheritance: Autosomal recessive inheritance. Affected: yes.
Comment: Based on the classification scheme VCGS_Germline_v1.3.4, this variant is classified as VUS-3B. Following criteria are met: 0102 - Loss of function is a known mechanism of disease in this gene and is associated with combined oxidative phosphorylation deficiency 23 (MIM#616198). (I) 0106 - This gene is associated with autosomal recessive disease. (I) 0200 - Variant is predicted to result in a missense amino acid change from alanine to proline. (I) 0251 - This variant is heterozygous. (I) 0304 - Variant is present in gnomAD <0.01 for a recessive condition (v3: 12 heterozygotes, 0 homozygotes). (SP) 0503 - Missense variant consistently predicted to be tolerated by multiple in silico tools or not conserved in placental mammals with a minor amino acid change. (SB) 0600 - Variant is located in the annotated mitochondrial transit peptide domain (UniProt). (I) 0705 - No comparable missense variants have previous evidence for pathogenicity. (I) 0809 - Previous evidence of pathogenicity for this variant is inconclusive. It has been reported as a VUS (ClinVar). (I) 0905 - No published segregation evidence has been identified for this variant. (I) 1007 - No published functional evidence has been identified for this variant. (I) 1102 - Strong phenotype match for this individual. (I) Legend: (SP) - Supporting pathogenic, (I) - Information, (SB) - Supporting benign